The following is an entry in ClinVar:

NM_002485.5(NBN):c.625A>C (p.Asn209His)

Gene: NBN (nibrin; minus strand). Cytogenetic location: 8q21.3.
Variant type: single nucleotide variant.
Coding change: c.625A>C on transcript NM_002485.5 (MANE Select); coding-DNA position 625, A replaced by C.
Protein change: p.Asn209His; replaces asparagine 209 with histidine.
Molecular consequence: missense variant.
Genome position (GRCh38, 1-based): chr8:89,971,250, T>G on the plus strand (A>C on the coding strand, the complement: NBN is on the minus strand). VCF-style: chr8-89971250-T-G. GRCh37 (hg19) VCF-style: chr8-90983478-T-G.
Other names: c.379A>C, p.Asn127His (NM_001024688.3); short protein forms N209H, N127H.
Identifiers: ClinVar variation 1752472 (VCV001752472.5), dbSNP rs2488316078, ClinGen allele CA371659226.
Genomic context (GRCh38, chr8:89,971,250, plus strand): 5'-ATATAAATGTTTTCCCTTTGAAGATTTGTTTTCTTTCCTGCCGTCCTGACAGATCAACAT[T>G]TTTACTTCCAATAGATGGTTCATCAAGAGGTGGGTAAAAACTGTAAAAATAATTAAAGTA-3'
Protein context (NP_002476.2, residues 199-219): PLDEPSIGSK[Asn209His]VDLSGRQERK

ClinVar aggregate classification (germline): Uncertain significance. Review status: criteria provided, multiple submitters, no conflicts (2 of 4 stars). 3 submissions from 3 submitters: Uncertain significance (3). Last evaluated 2025-11-25.

Conditions:
Hereditary cancer-predisposing syndrome. Also called: Hereditary Cancer Syndrome; Hereditary neoplastic syndrome; Neoplastic Syndromes, Hereditary; Tumor predisposition. Identifiers: Orphanet 140162, MedGen C0027672, MeSH D009386, MONDO:0015356.
Aplastic anemia. Identifiers: Orphanet 182040, Orphanet 88, MedGen C0002874, MONDO:0015909, OMIM 609135, HP:0001915.

Submissions (3):

Ambry Genetics
Classification: Uncertain significance for Hereditary cancer-predisposing syndrome. Last evaluated: 2025-11-25. Review status: criteria provided, single submitter. Criteria: Ambry Variant Classification Scheme 2023. Collection method: clinical testing. Allele origin: germline.
Comment: The p.N209H variant (also known as c.625A>C), located in coding exon 6 of the NBN gene, results from an A to C substitution at nucleotide position 625. The asparagine at codon 209 is replaced by histidine, an amino acid with similar properties. This amino acid position is conserved. In addition, this alteration is predicted to be tolerated by in silico analysis. Since supporting evidence is limited at this time, the clinical significance of this alteration remains unclear.

Quest Diagnostics Nichols Institute San Juan Capistrano
Classification: Uncertain significance. Last evaluated: 2025-02-25. Review status: criteria provided, single submitter. Criteria: Quest Diagnostics criteria. Collection method: clinical testing. Allele origin: unknown.
Comment: The NBN c.625A>C (p.Asn209His) variant has not been reported in individuals with NBN-related conditions in the published literature. It also has not been reported in large, multi-ethnic general populations (Genome Aggregation Database). Analysis of this variant using bioinformatics tools for the prediction of the effect of amino acid changes on protein structure and function yielded conflicting predictions that this variant is benign or damaging. Based on the available information, we are unable to determine the clinical significance of this variant.

Baylor Genetics
Classification: Uncertain significance for Aplastic anemia. Last evaluated: 2023-11-29. Review status: criteria provided, single submitter. Criteria: ACMG Guidelines, 2015. Collection method: clinical testing. Allele origin: unknown.